The following is an entry in ClinVar:

NM_023077.3(COA7):c.6C>T (p.Ala2=)

Gene: COA7 (cytochrome c oxidase assembly factor 7; minus strand). Cytogenetic location: 1p32.3.
Variant type: single nucleotide variant.
Coding change: c.6C>T on transcript NM_023077.3 (MANE Select); coding-DNA position 6, C replaced by T.
Protein change: p.Ala2=; no amino-acid change (alanine 2 retained).
Molecular consequence: synonymous variant.
Genome position (GRCh38, 1-based): chr1:52,698,321, G>A on the plus strand (C>T on the coding strand, the complement: COA7 is on the minus strand). VCF-style: chr1-52698321-G-A. GRCh37 (hg19) VCF-style: chr1-53163993-G-A.
Other names: c.6C>T (NM_023077.2).
Identifiers: ClinVar variation 2896732 (VCV002896732.6), dbSNP rs374935492, ClinGen allele CA855793.
Genomic context (GRCh38, chr1:52,698,321, plus strand): 5'-CACCTCCATGTTCTCCAAAAAGGACTTGACCTGCTCCTCATCCTGGAAGTCCACCATGCC[G>A]GCCATGGTTCGCGCCGGCCCAAAGACGGTCACGTGAGCCGGCGGAGGGGGCGGGGCGGGG-3'
Protein context (NP_075565.2, residues 1-12): M[Ala2=]GMVDFQDEEQ

ClinVar aggregate classification (germline): Likely benign. Review status: criteria provided, multiple submitters, no conflicts (2 of 4 stars). 3 submissions from 3 submitters: Likely benign (2). 1 of the submissions does not count toward it. Last evaluated 2025-09-02.

Conditions:
COA7-related disorder. Also called: COA7-related condition.

Allele frequency attached by ClinVar (database versions not stated): TOPMed 0.00005; gnomAD 0.00007; ESP Exome Variant Server 0.00008; ExAC 0.00012.
gnomAD v4.1: 148 of 1,609,940 alleles (0.0092%); highest among the groups gnomAD compares: Admixed American, 0.025%; no homozygotes.

Submissions (3):

Labcorp Genetics (formerly Invitae), Labcorp
Classification: Likely benign. Last evaluated: 2025-09-02. Review status: criteria provided, single submitter. Criteria: Invitae Variant Classification Sherloc (09022015). Collection method: clinical testing. Allele origin: germline.

Blueprint Genetics
Classification: Likely benign. Last evaluated: 2022-05-12. Review status: criteria provided, single submitter. Criteria: ACMG Guidelines, 2015. Collection method: clinical testing. Allele origin: germline.

PreventionGenetics, part of Exact Sciences
Classification: Likely benign for COA7-related condition. Last evaluated: 2019-10-14. Review status: no assertion criteria provided. Collection method: clinical testing. Allele origin: germline. Not counted in ClinVar's aggregate classification.
Comment: This variant is classified as likely benign based on ACMG/AMP sequence variant interpretation guidelines (Richards et al. 2015 PMID: 25741868, with internal and published modifications).